The following is an entry in ClinVar:

NM_182972.3(IRF2BP2):c.260C>T (p.Ser87Phe)

Genes: IRF2BP2 (interferon regulatory factor 2 binding protein 2; minus strand), LOC129932812 (ATAC-STARR-seq lymphoblastoid silent region 1977; plus strand). Cytogenetic location: 1q42.3.
Variant type: single nucleotide variant.
Coding change: c.260C>T on transcript NM_182972.3 (MANE Select); coding-DNA position 260, C replaced by T.
Protein change: p.Ser87Phe; replaces serine 87 with phenylalanine.
Molecular consequence: missense variant.
Genome position (GRCh38, 1-based): chr1:234,609,235, G>A on the plus strand (C>T on the coding strand, the complement: IRF2BP2 is on the minus strand). VCF-style: chr1-234609235-G-A. GRCh37 (hg19) VCF-style: chr1-234744981-G-A.
Other names: c.260C>T, p.Ser87Phe (NM_001077397.1); short protein forms S87F.
Identifiers: ClinVar variation 3691404 (VCV003691404.2).

ClinVar aggregate classification (germline): Uncertain significance (1 of 4 stars; one submission).

Submission:

Labcorp Genetics (formerly Invitae), Labcorp
Classification: Uncertain significance. Last evaluated: 2026-01-24. Review status: criteria provided, single submitter. Criteria: Invitae Variant Classification Sherloc (09022015). Collection method: clinical testing. Allele origin: germline.
Comment: This sequence change replaces serine, which is neutral and polar, with phenylalanine, which is neutral and non-polar, at codon 87 of the IRF2BP2 protein (p.Ser87Phe). This variant is not present in population databases (gnomAD no frequency). This variant has not been reported in the literature in individuals affected with IRF2BP2-related conditions. ClinVar contains an entry for this variant (Variation ID: 3691404). An algorithm developed to predict the effect of missense changes on protein structure and function (PolyPhen-2) suggests that this variant is likely to be disruptive. In summary, the available evidence is currently insufficient to determine the role of this variant in disease. Therefore, it has been classified as a Variant of Uncertain Significance.